The following is an entry in ClinVar:

ClinVar aggregate classification (germline): Likely benign (1 of 4 stars; one submission).

gnomAD v4.1: 29 of 1,613,806 alleles (0.0018%); highest among the groups gnomAD compares: Middle Eastern, 0.033%; 1 homozygote.

Submission:

CeGaT Center for Human Genetics Tuebingen
Classification: Likely benign. Last evaluated: 2025-07-01. Review status: criteria provided, single submitter. Criteria: CeGaT Center For Human Genetics Tuebingen Variant Classification Criteria Version 2. Collection method: clinical testing. Allele origin: germline. Affected: yes. Observed: 1 variant allele.
Comment: TANC2: BP4, BP7

NM_001394998.1(TANC2):c.5724G>A (p.Ser1908=)

Gene: TANC2 (tetratricopeptide repeat, ankyrin repeat and coiled-coil containing 2; plus strand). Cytogenetic location: 17q23.3.
Variant type: single nucleotide variant.
Coding change: c.5724G>A on transcript NM_001394998.1 (MANE Select); coding-DNA position 5724, G replaced by A.
Protein change: p.Ser1908=; no amino-acid change (serine 1908 retained).
Molecular consequence: synonymous variant.
Genome position (GRCh38, 1-based): chr17:63,421,454, G>A. VCF-style: chr17-63421454-G-A. GRCh37 (hg19) VCF-style: chr17-61498815-G-A.
Other names: c.5502G>A, p.Ser1834= (NM_001411076.1); c.5472G>A, p.Ser1824= (NM_025185.4).
Identifiers: ClinVar variation 4083892 (VCV004083892.8).